The following is an entry in ClinVar:

ClinVar aggregate classification (germline): Likely pathogenic. Review status: criteria provided, multiple submitters, no conflicts (2 of 4 stars). 2 submissions from 2 submitters: Likely pathogenic (2). Last evaluated 2021-03-24.

Allele frequency attached by ClinVar (database versions not stated): gnomAD exomes below 0.00001 and 0.00001; ExAC 0.00001; gnomAD 0.00003; TOPMed 0.00005.
gnomAD v4.1: 19 of 1,613,408 alleles (0.0012%); highest among the groups gnomAD compares: Non-Finnish European, 0.0016%; no homozygotes.

Submissions (2):

GeneDx
Classification: Likely pathogenic. Last evaluated: 2021-03-24. Review status: criteria provided, single submitter. Criteria: GeneDx Variant Classification Process June 2021. Collection method: clinical testing. Allele origin: germline. Affected: yes.
Comment: Canonical splice site variant in a gene for which loss-of-function is a known mechanism of disease; Not observed at a significant frequency in large population cohorts (Lek et al., 2016); Has not been previously published as pathogenic or benign to our knowledge

Labcorp Genetics (formerly Invitae), Labcorp
Classification: Likely pathogenic. Last evaluated: 2017-10-29. Review status: criteria provided, single submitter. Criteria: Invitae Variant Classification Sherloc (09022015). Collection method: clinical testing. Allele origin: germline.
Comment: This sequence change affects a donor splice site in intron 5 of the GPSM2 gene. It is expected to disrupt RNA splicing and likely results in an absent or disrupted protein product. This variant is present in population databases (rs758733242, ExAC 0.002%). This variant has not been reported in the literature in individuals with GPSM2-related disease. Donor and acceptor splice site variants typically lead to a loss of protein function (PMID: 16199547), and loss-of-function variants in GPSM2 are known to be pathogenic (PMID: 22578326, 22987632). In summary, the currently available evidence indicates that the variant is pathogenic, but additional data are needed to prove that conclusively. Therefore, this variant has been classified as Likely Pathogenic.

Literature cited by the submitters: PubMed 16199547 (cited by Labcorp Genetics (formerly Invitae), Labcorp); PubMed 22578326 (cited by Labcorp Genetics (formerly Invitae), Labcorp); PubMed 22987632 (cited by Labcorp Genetics (formerly Invitae), Labcorp).

NM_013296.5(GPSM2):c.557+2T>C

Gene: GPSM2 (G protein signaling modulator 2; plus strand). Cytogenetic location: 1p13.3.
Variant type: single nucleotide variant.
Coding change: c.557+2T>C on transcript NM_013296.5 (MANE Select); the canonical splice donor site of the intron after coding-DNA position 557, T replaced by C.
Molecular consequence: splice donor variant.
Genome position (GRCh38, 1-based): chr1:108,898,103, T>C. VCF-style: chr1-108898103-T-C. GRCh37 (hg19) VCF-style: chr1-109440725-T-C.
Other names: c.557+2T>C (NM_001321038.2, NM_001321039.3).
Identifiers: ClinVar variation 1068248 (VCV001068248.4), dbSNP rs758733242, ClinGen allele CA982824.